The following is an entry in ClinVar:

NM_139321.3(ATRN):c.2093-5T>G

Gene: ATRN (attractin; plus strand). Cytogenetic location: 20p13.
Variant type: single nucleotide variant.
Coding change: c.2093-5T>G on transcript NM_139321.3 (MANE Select); 5 bases into the intron before coding-DNA position 2093, T replaced by G.
Molecular consequence: intron variant.
Genome position (GRCh38, 1-based): chr20:3,575,822, T>G. VCF-style: chr20-3575822-T-G. GRCh37 (hg19) VCF-style: chr20-3556469-T-G.
Other names: c.2093-5T>G (NM_001323332.2, NM_139322.4, NM_139321.2); c.1745-5T>G (NM_001207047.3).
Identifiers: ClinVar variation 1170270 (VCV001170270.12), dbSNP rs41279370, ClinGen allele CA9744227.

ClinVar aggregate classification (germline): Benign. Review status: criteria provided, multiple submitters, no conflicts (2 of 4 stars). 3 submissions from 3 submitters: Benign (2). 1 of the submissions does not count toward it. Last evaluated 2026-01-29.

Conditions:
ATRN-related disorder. Also called: ATRN-related condition.

Allele frequency attached by ClinVar (database versions not stated): 1000 Genomes Project 30x 0.00968; 1000 Genomes Project 0.00998; TOPMed 0.01892; ESP Exome Variant Server 0.02137; gnomAD 0.02188 and 0.02229; gnomAD exomes 0.02334; ExAC 0.02401.
gnomAD v4.1: 47,730 of 1,602,272 alleles (3%); highest among the groups gnomAD compares: Non-Finnish European, 3.4%; 853 homozygotes.

Submissions (21):

Labcorp Genetics (formerly Invitae), Labcorp
Classification: Benign. Last evaluated: 2026-01-29. Review status: criteria provided, single submitter. Criteria: Invitae Variant Classification Sherloc (09022015). Collection method: clinical testing. Allele origin: germline.

Breakthrough Genomics
Classification: Benign. Review status: criteria provided, single submitter. Criteria: ACMG Guidelines, 2015. Collection method: not provided. Allele origin: germline. Inheritance: Unknown mechanism. Affected: yes.

PreventionGenetics, part of Exact Sciences
Classification: Benign for ATRN-related condition. Last evaluated: 2024-08-02. Review status: no assertion criteria provided. Collection method: clinical testing. Allele origin: germline. Not counted in ClinVar's aggregate classification.
Comment: This variant is classified as benign based on ACMG/AMP sequence variant interpretation guidelines (Richards et al. 2015 PMID: 25741868, with internal and published modifications).

Dr. Peter K. Rogan Lab, Western University
No classification provided (evidence only). Condition: Clear cell carcinoma of kidney. Review status: no classification provided. Collection method: in vitro. Allele origin: not applicable. Functional consequence: retained intron. Not counted in ClinVar's aggregate classification.

Dr. Peter K. Rogan Lab, Western University
No classification provided (evidence only). Condition: Clear cell carcinoma of kidney. Review status: no classification provided. Collection method: in vitro. Allele origin: not applicable. Functional consequence: retained intron. Not counted in ClinVar's aggregate classification.

Dr. Peter K. Rogan Lab, Western University
No classification provided (evidence only). Condition: Clear cell carcinoma of kidney. Review status: no classification provided. Collection method: in vitro. Allele origin: not applicable. Functional consequence: retained intron. Not counted in ClinVar's aggregate classification.

Dr. Peter K. Rogan Lab, Western University
No classification provided (evidence only). Condition: Acute myeloid leukemia. Review status: no classification provided. Collection method: in vitro. Allele origin: not applicable. Functional consequence: retained intron. Not counted in ClinVar's aggregate classification.

Dr. Peter K. Rogan Lab, Western University
No classification provided (evidence only). Condition: Acute myeloid leukemia. Review status: no classification provided. Collection method: in vitro. Allele origin: not applicable. Functional consequence: retained intron. Not counted in ClinVar's aggregate classification.

Dr. Peter K. Rogan Lab, Western University
No classification provided (evidence only). Condition: Acute myeloid leukemia. Review status: no classification provided. Collection method: in vitro. Allele origin: not applicable. Functional consequence: retained intron. Not counted in ClinVar's aggregate classification.

Dr. Peter K. Rogan Lab, Western University
No classification provided (evidence only). Condition: Acute myeloid leukemia. Review status: no classification provided. Collection method: in vitro. Allele origin: not applicable. Functional consequence: retained intron. Not counted in ClinVar's aggregate classification.

Dr. Peter K. Rogan Lab, Western University
No classification provided (evidence only). Condition: Acute myeloid leukemia. Review status: no classification provided. Collection method: in vitro. Allele origin: not applicable. Functional consequence: retained intron. Not counted in ClinVar's aggregate classification.

Dr. Peter K. Rogan Lab, Western University
No classification provided (evidence only). Condition: Sarcoma. Review status: no classification provided. Collection method: in vitro. Allele origin: not applicable. Functional consequence: retained intron. Not counted in ClinVar's aggregate classification.

Dr. Peter K. Rogan Lab, Western University
No classification provided (evidence only). Condition: Sarcoma. Review status: no classification provided. Collection method: in vitro. Allele origin: not applicable. Functional consequence: retained intron. Not counted in ClinVar's aggregate classification.

Dr. Peter K. Rogan Lab, Western University
No classification provided (evidence only). Condition: Sarcoma. Review status: no classification provided. Collection method: in vitro. Allele origin: not applicable. Functional consequence: retained intron. Not counted in ClinVar's aggregate classification.

Dr. Peter K. Rogan Lab, Western University
No classification provided (evidence only). Condition: Sarcoma. Review status: no classification provided. Collection method: in vitro. Allele origin: not applicable. Functional consequence: retained intron. Not counted in ClinVar's aggregate classification.

Dr. Peter K. Rogan Lab, Western University
No classification provided (evidence only). Condition: Sarcoma. Review status: no classification provided. Collection method: in vitro. Allele origin: not applicable. Functional consequence: retained intron. Not counted in ClinVar's aggregate classification.

Dr. Peter K. Rogan Lab, Western University
No classification provided (evidence only). Condition: Sarcoma. Review status: no classification provided. Collection method: in vitro. Allele origin: not applicable. Functional consequence: retained intron. Not counted in ClinVar's aggregate classification.

Dr. Peter K. Rogan Lab, Western University
No classification provided (evidence only). Condition: Sarcoma. Review status: no classification provided. Collection method: in vitro. Allele origin: not applicable. Functional consequence: retained intron. Not counted in ClinVar's aggregate classification.

Dr. Peter K. Rogan Lab, Western University
No classification provided (evidence only). Condition: Nonpapillary renal cell carcinoma. Review status: no classification provided. Collection method: in vitro. Allele origin: not applicable. Functional consequence: retained intron. Not counted in ClinVar's aggregate classification.

Dr. Peter K. Rogan Lab, Western University
No classification provided (evidence only). Condition: Malignant tumor of esophagus. Review status: no classification provided. Collection method: in vitro. Allele origin: not applicable. Functional consequence: retained intron. Not counted in ClinVar's aggregate classification.

Dr. Peter K. Rogan Lab, Western University
No classification provided (evidence only). Condition: Malignant tumor of esophagus. Review status: no classification provided. Collection method: in vitro. Allele origin: not applicable. Functional consequence: retained intron. Not counted in ClinVar's aggregate classification.